The following is an entry in ClinVar:

NM_004183.4(BEST1):c.618G>A (p.Leu206=)

Gene: BEST1 (bestrophin 1; plus strand). Cytogenetic location: 11q12.3.
Variant type: single nucleotide variant.
Coding change: c.618G>A on transcript NM_004183.4 (MANE Select); coding-DNA position 618, G replaced by A.
Protein change: p.Leu206=; no amino-acid change (leucine 206 retained).
Molecular consequence: synonymous variant. On other transcripts: non-coding transcript variant (1).
Genome position (GRCh38, 1-based): chr11:61,956,980, G>A. VCF-style: chr11-61956980-G-A. GRCh37 (hg19) VCF-style: chr11-61724452-G-A.
Other names: c.438G>A, p.Leu146= (NM_001139443.3, NM_001300786.2, NM_001300787.2); c.300G>A, p.Leu100= (NM_001363591.3); c.618G>A, p.Leu206= (NM_001363592.2); c.-558G>A (NM_001363593.3).
Identifiers: ClinVar variation 166752 (VCV000166752.25), dbSNP rs62641693, ClinGen allele CA179807.

ClinVar aggregate classification (germline): Benign/Likely benign. Review status: criteria provided, multiple submitters, no conflicts (2 of 4 stars). 9 submissions from 7 submitters: Benign (7); Likely benign (2). Last evaluated 2023-11-22.

Conditions:
Retinitis pigmentosa (RP). Identifiers: Orphanet 791, MedGen C0035334, MeSH D012174, MONDO:0019200, OMIM 268000. Inheritance: Autosomal dominant, autosomal recessive and X linked inheritance.
Vitelliform macular dystrophy 2. Also called: Best vitelliform macular dystrophy, multifocal; MACULAR DEGENERATION, POLYMORPHIC VITELLINE; VITELLIFORM MACULAR DYSTROPHY, EARLY-ONSET; VITELLIFORM MACULAR DYSTROPHY, JUVENILE-ONSET; Best Vitelliform Macular Dystrophy (BVMD); Best Macular Dystrophy. Identifiers: Orphanet 1243, MedGen C2745945, MONDO:0007931, OMIM 153700.
Retinitis pigmentosa 50 (RP50). Also called: Retinitis pigmentosa, concentric. Identifiers: Orphanet 791, MedGen C2750789, MONDO:0013175, OMIM 613194.
Autosomal recessive bestrophinopathy. Also called: Autosomal Recessive Bestrophinopathy (ARB). Identifiers: Orphanet 139455, MedGen C3888198, MONDO:0012733, OMIM 611809.
Autosomal dominant vitreoretinochoroidopathy. Also called: VITREORETINOCHOROIDOPATHY WITH MICROCORNEA, GLAUCOMA, AND CATARACT; VITREORETINOCHOROIDOPATHY, AUTOSOMAL DOMINANT, WITH NANOPHTHALMOS; Autosomal Dominant Vitreoretinochoroidopathy (ADVIRC). Identifiers: Orphanet 263347, Orphanet 3086, MedGen C3888099, MONDO:0008662, OMIM 193220.

Allele frequency attached by ClinVar (database versions not stated): gnomAD exomes 0.00171 and 0.00386; ExAC 0.00446; 1000 Genomes Project 0.01238; 1000 Genomes Project 30x 0.01359; gnomAD 0.01562 and 0.01704; TOPMed 0.01777; ESP Exome Variant Server 0.01792.
gnomAD v4.1: 4,981 of 1,614,150 alleles (0.31%); highest among the groups gnomAD compares: African/African-American, 5.4%; 112 homozygotes.

Submissions (9):

ARUP Laboratories, Molecular Genetics and Genomics, ARUP Laboratories
Classification: Benign. Last evaluated: 2023-11-22. Review status: criteria provided, single submitter. Criteria: ARUP Molecular Germline Variant Investigation Process 2024. Collection method: clinical testing. Allele origin: germline.

Fulgent Genetics
Classification: Benign for Vitelliform macular dystrophy 2; Autosomal dominant vitreoretinochoroidopathy; Autosomal recessive bestrophinopathy; Retinitis pigmentosa 50. Last evaluated: 2021-10-14. Review status: criteria provided, single submitter. Criteria: ACMG Guidelines, 2015. Collection method: clinical testing. Allele origin: unknown.

Labcorp Genetics (formerly Invitae), Labcorp
Classification: Benign. Last evaluated: 2019-12-31. Review status: criteria provided, single submitter. Criteria: Invitae Variant Classification Sherloc (09022015). Collection method: clinical testing. Allele origin: germline.

GeneDx
Classification: Benign. Last evaluated: 2019-01-03. Review status: criteria provided, single submitter. Criteria: GeneDx Variant Classification Process June 2021. Collection method: clinical testing. Allele origin: germline. Affected: yes.

Illumina Laboratory Services, Illumina
Classification: Benign for Vitelliform macular dystrophy 2. Last evaluated: 2018-01-13. Review status: criteria provided, single submitter. Criteria: ICSL Variant Classification Criteria 13 December 2019. Collection method: clinical testing. Allele origin: germline.
Comment: This variant was observed in the ICSL laboratory as part of a predisposition screen in an ostensibly healthy population. It had not been previously curated by ICSL or reported in the Human Gene Mutation Database (HGMD: prior to June 1st, 2018), and was therefore a candidate for classification through an automated scoring system. Utilizing variant allele frequency, disease prevalence and penetrance estimates, and inheritance mode, an automated score was calculated to assess if this variant is too frequent to cause the disease. Based on the score and internal cut-off values, a variant classified as benign is not then subjected to further curation. The score for this variant resulted in a classification of benign for this disease.

Illumina Laboratory Services, Illumina
Classification: Benign for Autosomal dominant vitreoretinochoroidopathy. Last evaluated: 2018-01-13. Review status: criteria provided, single submitter. Criteria: ICSL Variant Classification Criteria 13 December 2019. Collection method: clinical testing. Allele origin: germline.
Comment: the same text as in the submission from Illumina Laboratory Services, Illumina above.

Illumina Laboratory Services, Illumina
Classification: Likely benign for Retinitis pigmentosa. Last evaluated: 2018-01-13. Review status: criteria provided, single submitter. Criteria: ICSL Variant Classification Criteria 13 December 2019. Collection method: clinical testing. Allele origin: germline.
Comment: This variant was observed in the ICSL laboratory as part of a predisposition screen in an ostensibly healthy population. It had not been previously curated by ICSL or reported in the Human Gene Mutation Database (HGMD: prior to June 1st, 2018), and was therefore a candidate for classification through an automated scoring system. Utilizing variant allele frequency, disease prevalence and penetrance estimates, and inheritance mode, an automated score was calculated to assess if this variant is too frequent to cause the disease. Based on the score and internal cut-off values, a variant classified as likely benign is not then subjected to further curation. The score for this variant resulted in a classification of likely benign for this disease.

Eurofins Ntd Llc (ga)
Classification: Benign. Last evaluated: 2014-01-17. Review status: criteria provided, single submitter. Criteria: EGL Classification Definitions 2015. Collection method: clinical testing. Allele origin: germline. Observed: 1 variant allele, 1 heterozygote.

Breakthrough Genomics
Classification: Likely benign. Review status: criteria provided, single submitter. Criteria: ACMG Guidelines, 2015. Collection method: not provided. Allele origin: germline. Inheritance: Autosomal dominant inheritance. Affected: yes.